The following is an entry in ClinVar:

ClinVar aggregate classification (germline): Conflicting classifications of pathogenicity. Review status: criteria provided, conflicting classifications (1 of 4 stars). 5 submissions from 5 submitters: Uncertain significance (3); Likely benign (2). Last evaluated 2026-05-18.

Conditions:
Hypoparathyroidism, deafness, renal disease syndrome (HDRS). Also called: HYPOPARATHYROIDISM, SENSORINEURAL DEAFNESS, AND RENAL DYSPLASIA SYNDROME. Identifiers: Orphanet 2237, MedGen C1840333, MONDO:0007797, OMIM 146255.

Allele frequency attached by ClinVar (database versions not stated): TOPMed 0.00014; 1000 Genomes Project 30x 0.00016; 1000 Genomes Project 0.00020.
gnomAD v4.1: 60 of 1,610,820 alleles (0.0037%); highest among the groups gnomAD compares: East Asian, 0.045%; no homozygotes.

Submissions (5):

Women's Health and Genetics/Laboratory Corporation of America, LabCorp
Classification: Uncertain significance. Last evaluated: 2026-05-18. Review status: criteria provided, single submitter. Criteria: LabCorp Variant Classification Summary - May 2015. Collection method: clinical testing. Allele origin: germline.
Comment: Variant summary: GATA3 c.706C>G (p.Pro236Ala) results in a non-conservative amino acid change in the encoded protein sequence. Algorithms developed to predict the effect of missense changes on protein structure and function all suggest that this variant is likely to be disruptive. The variant allele was found at a frequency of 6.9e-05 in 246782 control chromosomes. This frequency is not significantly higher than estimated for disease-causing variants in GATA3, allowing no conclusion about variant significance. c.706C>G has been observed in the heterozygous state in at least 1 individual(s) affected with GATA3-related conditions, however an alternate genotype was considered more likely causative (example, Wang_2019). It was also observed heterozygous in another individual from a syndromic CAKUT cohort (example, Liu_2022) without strong evidence for causality. These report(s) do not provide unequivocal conclusions about association of the variant with disease. To our knowledge, no experimental evidence demonstrating an impact on protein function has been reported. The following publications have been ascertained in the context of this evaluation (PMID: 31433868, 36549658). ClinVar contains an entry for this variant (Variation ID: 301124). Based on the evidence outlined above, the variant was classified as uncertain significance.

Fulgent Genetics
Classification: Likely benign for Hypoparathyroidism, deafness, renal disease syndrome. Last evaluated: 2024-03-13. Review status: criteria provided, single submitter. Criteria: ACMG Guidelines, 2015. Collection method: clinical testing. Allele origin: germline.

CeGaT Center for Human Genetics Tuebingen
Classification: Uncertain significance. Last evaluated: 2023-02-01. Review status: criteria provided, single submitter. Criteria: CeGaT Center For Human Genetics Tuebingen Variant Classification Criteria Version 2. Collection method: clinical testing. Allele origin: germline. Affected: yes. Observed: 1 variant allele.

Labcorp Genetics (formerly Invitae), Labcorp
Classification: Uncertain significance. Last evaluated: 2022-07-06. Review status: criteria provided, single submitter. Criteria: Invitae Variant Classification Sherloc (09022015). Collection method: clinical testing. Allele origin: germline.
Comment: In summary, the available evidence is currently insufficient to determine the role of this variant in disease. Therefore, it has been classified as a Variant of Uncertain Significance. Algorithms developed to predict the effect of missense changes on protein structure and function (SIFT, PolyPhen-2, Align-GVGD) all suggest that this variant is likely to be tolerated. ClinVar contains an entry for this variant (Variation ID: 301124). This missense change has been observed in individual(s) with clinical features of GATA3-related conditions (PMID: 31433868). This variant is present in population databases (rs148835259, gnomAD 0.06%), and has an allele count higher than expected for a pathogenic variant. This sequence change replaces proline, which is neutral and non-polar, with alanine, which is neutral and non-polar, at codon 236 of the GATA3 protein (p.Pro236Ala).

Illumina Laboratory Services, Illumina
Classification: Likely benign for Hypoparathyroidism, deafness, renal disease syndrome. Last evaluated: 2018-01-12. Review status: criteria provided, single submitter. Criteria: ICSL Variant Classification Criteria 13 December 2019. Collection method: clinical testing. Allele origin: germline.
Comment: This variant was observed in the ICSL laboratory as part of a predisposition screen in an ostensibly healthy population. It had not been previously curated by ICSL or reported in the Human Gene Mutation Database (HGMD: prior to June 1st, 2018), and was therefore a candidate for classification through an automated scoring system. Utilizing variant allele frequency, disease prevalence and penetrance estimates, and inheritance mode, an automated score was calculated to assess if this variant is too frequent to cause the disease. Based on the score and internal cut-off values, a variant classified as likely benign is not then subjected to further curation. The score for this variant resulted in a classification of likely benign for this disease.

Literature cited by the submitters: PubMed 36549658 (cited by Women's Health and Genetics/Laboratory Corporation of America, LabCorp); PubMed 31433868 (cited by Women's Health and Genetics/Laboratory Corporation of America, LabCorp and Labcorp Genetics (formerly Invitae), Labcorp).

NM_001002295.2(GATA3):c.706C>G (p.Pro236Ala)

Gene: GATA3 (GATA binding protein 3; plus strand). Cytogenetic location: 10p14.
Variant type: single nucleotide variant.
Coding change: c.706C>G on transcript NM_001002295.2 (MANE Select); coding-DNA position 706, C replaced by G.
Protein change: p.Pro236Ala; replaces proline 236 with alanine.
Molecular consequence: missense variant.
Genome position (GRCh38, 1-based): chr10:8,058,769, C>G. VCF-style: chr10-8058769-C-G. GRCh37 (hg19) VCF-style: chr10-8100732-C-G.
Other names: c.706C>G, p.Pro236Ala (NM_002051.3); short protein forms P236A.
Identifiers: ClinVar variation 301124 (VCV000301124.36), dbSNP rs148835259, ClinGen allele CA5404431.